The following is an entry in ClinVar:

NM_201384.3(PLEC):c.3125G>A (p.Arg1042Gln)

Gene: PLEC (plectin; minus strand). Cytogenetic location: 8q24.3.
Variant type: single nucleotide variant.
Coding change: c.3125G>A on transcript NM_201384.3 (MANE Select); coding-DNA position 3125, G replaced by A.
Protein change: p.Arg1042Gln; replaces arginine 1042 with glutamine.
Molecular consequence: missense variant.
Genome position (GRCh38, 1-based): chr8:143,929,238, C>T on the plus strand (G>A on the coding strand, the complement: PLEC is on the minus strand). VCF-style: chr8-143929238-C-T. GRCh37 (hg19) VCF-style: chr8-145003406-C-T.
Other names: c.3206G>A, p.Arg1069Gln (NM_000445.5); c.3083G>A, p.Arg1028Gln (NM_201378.4); c.3059G>A, p.Arg1020Gln (NM_201379.3); c.3536G>A, p.Arg1179Gln (NM_201380.4); c.3029G>A, p.Arg1010Gln (NM_201381.3); c.3125G>A, p.Arg1042Gln (NM_201382.4); c.3137G>A, p.Arg1046Gln (NM_201383.3); short protein forms R1069Q, R1020Q, R1010Q, R1046Q, R1028Q, R1042Q, R1179Q.
Identifiers: ClinVar variation 471569 (VCV000471569.13), dbSNP rs191154069, ClinGen allele CA4927197.

ClinVar aggregate classification (germline): Conflicting classifications of pathogenicity. Review status: criteria provided, conflicting classifications (1 of 4 stars). 3 submissions from 3 submitters: Uncertain significance (2); Likely benign (1). Last evaluated 2026-06-01.

Conditions:
Epidermolysis bullosa simplex, Ogna type (EBS5A). Also called: Pidermolysis bullosa simplex 5A, Ogna type; EPIDERMOLYSIS BULLOSA SIMPLEX 5A, OGNA TYPE. Identifiers: Orphanet 79401, MedGen C0432317, MONDO:0007555, OMIM 131950.
Autosomal recessive limb-girdle muscular dystrophy type 2Q (LGMDR17). Also called: MUSCULAR DYSTROPHY, LIMB-GIRDLE, AUTOSOMAL RECESSIVE 17. Identifiers: Orphanet 254361, MedGen C3150989, MONDO:0013390, OMIM 613723.
Epidermolysis bullosa simplex 5B, with muscular dystrophy (EBS5B). Also called: Epidermolysis bullosa simplex with muscular dystrophy; EPIDERMOLYSIS BULLOSA SIMPLEX AND LIMB-GIRDLE MUSCULAR DYSTROPHY. Identifiers: Orphanet 257, MedGen C2931072, MONDO:0009181, OMIM 226670.
Epidermolysis bullosa simplex with nail dystrophy (EBS5D). Identifiers: MedGen C4225309, MONDO:0014661, OMIM 616487.
Epidermolysis bullosa simplex 5C, with pyloric atresia (EBS5C). Also called: PLEC-Related Epidermolysis Bullosa with Pyloric Atresia; Epidermolysis bullosa simplex with pyloric atresia; PLEC1-Related Epidermolysis Bullosa with Pyloric Atresia. Identifiers: Orphanet 158684, MedGen C2677349, MONDO:0012807, OMIM 612138.

Allele frequency attached by ClinVar (database versions not stated): 1000 Genomes Project 30x 0.00031; 1000 Genomes Project 0.00040; gnomAD exomes 0.00002 and 0.00004; TOPMed 0.00003; gnomAD 0.00004 and 0.00006; ExAC 0.00006.
gnomAD v4.1: 42 of 1,602,230 alleles (0.0026%); highest among the groups gnomAD compares: Middle Eastern, 0.033%; no homozygotes.

Submissions (3):

CeGaT Center for Human Genetics Tuebingen
Classification: Likely benign. Last evaluated: 2026-06-01. Review status: criteria provided, single submitter. Criteria: CeGaT Center For Human Genetics Tuebingen Variant Classification Criteria Version 2. Collection method: clinical testing. Allele origin: germline. Affected: yes. Observed: 1 variant allele.
Comment: PLEC: BP4

Labcorp Genetics (formerly Invitae), Labcorp
Classification: Uncertain significance for Autosomal recessive limb-girdle muscular dystrophy type 2Q; Epidermolysis bullosa simplex, Ogna type; Epidermolysis bullosa simplex with nail dystrophy; Epidermolysis bullosa simplex 5C, with pyloric atresia; Epidermolysis bullosa simplex 5B, with muscular dystrophy. Last evaluated: 2025-11-27. Review status: criteria provided, single submitter. Criteria: Invitae Variant Classification Sherloc (09022015). Collection method: clinical testing. Allele origin: germline.
Comment: This sequence change replaces arginine, which is basic and polar, with glutamine, which is neutral and polar, at codon 1069 of the PLEC protein (p.Arg1069Gln). This variant is present in population databases (rs191154069, gnomAD 0.02%). This variant has not been reported in the literature in individuals affected with PLEC-related conditions. ClinVar contains an entry for this variant (Variation ID: 471569). Invitae Evidence Modeling of protein sequence and biophysical properties (such as structural, functional, and spatial information, amino acid conservation, physicochemical variation, residue mobility, and thermodynamic stability) indicates that this missense variant is not expected to disrupt PLEC protein function with a negative predictive value of 80%. In summary, the available evidence is currently insufficient to determine the role of this variant in disease. Therefore, it has been classified as a Variant of Uncertain Significance.

Revvity Omics, Revvity
Classification: Uncertain significance. Last evaluated: 2024-02-28. Review status: criteria provided, single submitter. Criteria: ACMG Guidelines, 2015. Collection method: clinical testing. Allele origin: germline.